The following is an entry in ClinVar:

ClinVar aggregate classification (germline): Pathogenic (1 of 4 stars; one submission).

Submission:

Labcorp Genetics (formerly Invitae), Labcorp
Classification: Pathogenic. Last evaluated: 2021-08-05. Review status: criteria provided, single submitter. Criteria: Invitae Variant Classification Sherloc (09022015). Collection method: clinical testing. Allele origin: germline.
Comment: For these reasons, this variant has been classified as Pathogenic. This premature translational stop signal has been observed in individual(s) with erythropoietic protoporphyria (PMID: 20105171). This variant is not present in population databases (ExAC no frequency). This sequence change creates a premature translational stop signal (p.Tyr209*) in the FECH gene. It is expected to result in an absent or disrupted protein product. Loss-of-function variants in FECH are known to be pathogenic (PMID: 20105171, 23016163, 23364466).

Literature cited by the submitters: PubMed 20105171; PubMed 23016163; PubMed 23364466.

NM_000140.5(FECH):c.627C>A (p.Tyr209Ter)

Gene: FECH (ferrochelatase; minus strand). Cytogenetic location: 18q21.31.
Variant type: single nucleotide variant.
Coding change: c.627C>A on transcript NM_000140.5 (MANE Select); coding-DNA position 627, C replaced by A.
Protein change: p.Tyr209Ter; replaces tyrosine 209 with a stop codon.
Molecular consequence: nonsense.
Genome position (GRCh38, 1-based): chr18:57,562,952, G>T on the plus strand (C>A on the coding strand, the complement: FECH is on the minus strand). VCF-style: chr18-57562952-G-T. GRCh37 (hg19) VCF-style: chr18-55230184-G-T.
Other names: c.645C>A, p.Tyr215Ter (NM_001012515.4); c.627C>A, p.Tyr209Ter (NM_001371094.1, NM_001374778.1); c.411C>A, p.Tyr137Ter (NM_001371095.1); short protein forms Y215*, Y137*, Y209*.
Identifiers: ClinVar variation 1402387 (VCV001402387.6), dbSNP rs2122284871, ClinGen allele CA402535997.